The following is an entry in ClinVar:

Conditions:
Breast-ovarian cancer, familial, susceptibility to, 1 (BROVCA1). Also called: BRCA1 Hereditary Breast and Ovarian Cancer; OVARIAN CANCER, SUSCEPTIBILITY TO. Identifiers: Orphanet 145, MedGen C2676676, MONDO:0011450, OMIM 604370. Disease mechanism: loss of function.

Submission:

Brotman Baty Institute, University of Washington
No classification provided (evidence only). Condition: Breast-ovarian cancer, familial 1. Review status: no classification provided. Collection method: in vitro. Allele origin: not applicable. Functional consequence: functionally_normal.
ClinVar note: "not provided" was previously submitted as the classification for the variant. However, the classification appeared to be based only on an observation of functional data so it was converted to no classification on 2025-07-30.

NM_007294.4(BRCA1):c.5167A>C (p.Ile1723Leu)

Gene: BRCA1 (BRCA1 DNA repair associated; minus strand). Cytogenetic location: 17q21.31.
Variant type: single nucleotide variant.
Coding change: c.5167A>C on transcript NM_007294.4 (MANE Select); coding-DNA position 5167, A replaced by C.
Protein change: p.Ile1723Leu; replaces isoleucine 1723 with leucine.
Molecular consequence: missense variant. On other transcripts: non-coding transcript variant (1).
Genome position (GRCh38, 1-based): chr17:43,063,359, T>G on the plus strand (A>C on the coding strand, the complement: BRCA1 is on the minus strand). VCF-style: chr17-43063359-T-G. GRCh37 (hg19) VCF-style: chr17-41215376-T-G.
Other names: c.4954A>C, p.Ile1652Leu (NM_001407571.1, NM_001407900.1, NM_001407902.1 and 12 more transcripts); c.5233A>C, p.Ile1745Leu (NM_001407581.1, NM_001407582.1); c.5230A>C, p.Ile1744Leu (NM_001407583.1, NM_001407585.1, NM_001407587.1 and 1 more transcripts); c.5164A>C, p.Ile1722Leu (NM_001407610.1, NM_001407611.1, NM_001407612.1 and 17 more transcripts); c.5161A>C, p.Ile1721Leu (NM_001407629.1, NM_001407630.1, NM_001407631.1 and 14 more transcripts); c.5107A>C, p.Ile1703Leu (NM_001407649.1); c.5089A>C, p.Ile1697Leu (NM_001407652.1, NM_001407653.1, NM_001407654.1 and 1 more transcripts); c.5086A>C, p.Ile1696Leu (NM_001407656.1, NM_001407657.1, NM_001407658.1); and 72 more; short protein forms I1723L, I1744L, I1676L, I619L, I1595L, I1652L, I1656L, I1697L.
Identifiers: ClinVar variation 865078 (VCV000865078.3), dbSNP rs1426821558, ClinGen allele CA10591213.